The following is an entry in ClinVar:

ClinVar aggregate classification (germline): Pathogenic (1 of 4 stars; one submission).

Submission:

Labcorp Genetics (formerly Invitae), Labcorp
Classification: Pathogenic. Last evaluated: 2024-10-27. Review status: criteria provided, single submitter. Criteria: Invitae Variant Classification Sherloc (09022015). Collection method: clinical testing. Allele origin: germline.
Comment: This sequence change creates a premature translational stop signal (p.Trp527*) in the PLS3 gene. It is expected to result in an absent or disrupted protein product. Loss-of-function variants in PLS3 are known to be pathogenic (PMID: 24088043, 30405713, 33166085). This variant is not present in population databases (gnomAD no frequency). This variant has not been reported in the literature in individuals affected with PLS3-related conditions. For these reasons, this variant has been classified as Pathogenic.

Literature cited by the submitters: PubMed 24088043; PubMed 30405713; PubMed 33166085.

NM_005032.7(PLS3):c.1580G>A (p.Trp527Ter)

Gene: PLS3 (plastin 3; plus strand). Cytogenetic location: Xq23.
Variant type: single nucleotide variant.
Coding change: c.1580G>A on transcript NM_005032.7 (MANE Select); coding-DNA position 1580, G replaced by A.
Protein change: p.Trp527Ter; replaces tryptophan 527 with a stop codon.
Molecular consequence: nonsense.
Genome position (GRCh38, 1-based): chrX:115,647,618, G>A. VCF-style: chrX-115647618-G-A. GRCh37 (hg19) VCF-style: chrX-114881938-G-A.
Other names: c.1580G>A, p.Trp527Ter (NM_001136025.5); c.1499G>A, p.Trp500Ter (NM_001172335.3); c.1541G>A, p.Trp514Ter (NM_001282337.2); c.1445G>A, p.Trp482Ter (NM_001282338.2); short protein forms W500*, W482*, W514*, W527*.
Identifiers: ClinVar variation 3723900 (VCV003723900.2).